The following is an entry in ClinVar:

NM_004656.4(BAP1):c.2118C>A (p.Ile706=)

Gene: BAP1 (BRCA1 associated deubiquitinase 1; minus strand). Cytogenetic location: 3p21.1.
Variant type: single nucleotide variant.
Coding change: c.2118C>A on transcript NM_004656.4 (MANE Select); coding-DNA position 2118, C replaced by A.
Protein change: p.Ile706=; no amino-acid change (isoleucine 706 retained).
Molecular consequence: synonymous variant.
Genome position (GRCh38, 1-based): chr3:52,402,360, G>T on the plus strand (C>A on the coding strand, the complement: BAP1 is on the minus strand). VCF-style: chr3-52402360-G-T. GRCh37 (hg19) VCF-style: chr3-52436376-G-T.
Identifiers: ClinVar variation 668539 (VCV000668539.26), dbSNP rs201122466, ClinGen allele CA2436588.

ClinVar aggregate classification (germline): Benign/Likely benign. Review status: criteria provided, multiple submitters, no conflicts (2 of 4 stars). 5 submissions from 5 submitters: Benign (1); Likely benign (4). Last evaluated 2026-01-19.

Conditions:
BAP1-related tumor predisposition syndrome (TPDS1). Also called: COMMON Syndrome; TUMOR PREDISPOSITION SYNDROME 1; Tumor susceptibility linked to germline BAP1 mutations; BAP1 tumor predisposition syndrome. Identifiers: Orphanet 289539, MedGen C3280492, MONDO:0013692, OMIM 614327.
Hereditary cancer-predisposing syndrome. Also called: Neoplastic Syndromes, Hereditary; Tumor predisposition; Hereditary neoplastic syndrome; Hereditary Cancer Syndrome. Identifiers: Orphanet 140162, MedGen C0027672, MeSH D009386, MONDO:0015356.

Allele frequency attached by ClinVar (database versions not stated): gnomAD 0.00001; TOPMed 0.00002; ESP Exome Variant Server 0.00008.

Submissions (5):

Labcorp Genetics (formerly Invitae), Labcorp
Classification: Likely benign for BAP1-related tumor predisposition syndrome. Last evaluated: 2026-01-19. Review status: criteria provided, single submitter. Criteria: Invitae Variant Classification Sherloc (09022015). Collection method: clinical testing. Allele origin: germline.

Myriad Genetics, Inc.
Classification: Benign for BAP1-related tumor predisposition syndrome. Last evaluated: 2024-07-18. Review status: criteria provided, single submitter. Criteria: Myriad Autosomal Dominant, Autosomal Recessive and X-Linked Classification Criteria (2023). Collection method: clinical testing. Allele origin: unknown.
Comment: This variant is considered benign. This variant is a silent/synonymous amino acid change and it is not expected to impact splicing.

Color Diagnostics, LLC DBA Color Health
Classification: Likely benign for Hereditary cancer-predisposing syndrome. Last evaluated: 2019-06-13. Review status: criteria provided, single submitter. Criteria: ACMG Guidelines, 2015. Collection method: clinical testing. Allele origin: germline.

GeneDx
Classification: Likely benign. Last evaluated: 2018-05-16. Review status: criteria provided, single submitter. Criteria: GeneDx Variant Classification (06012015). Collection method: clinical testing. Allele origin: germline. Affected: yes.
Comment: This variant is considered likely benign or benign based on one or more of the following criteria: it is a conservative change, it occurs at a poorly conserved position in the protein, it is predicted to be benign by multiple in silico algorithms, and/or has population frequency not consistent with disease.

Ambry Genetics
Classification: Likely benign for Hereditary cancer-predisposing syndrome. Last evaluated: 2015-08-31. Review status: criteria provided, single submitter. Criteria: Ambry Variant Classification Scheme 2023. Collection method: clinical testing. Allele origin: germline.